The following is an entry in ClinVar:

NM_016373.4(WWOX):c.322G>A (p.Asp108Asn)

Gene: WWOX (WW domain containing oxidoreductase; plus strand). Cytogenetic location: 16q23.1.
Variant type: single nucleotide variant.
Coding change: c.322G>A on transcript NM_016373.4 (MANE Select); coding-DNA position 322, G replaced by A.
Protein change: p.Asp108Asn; replaces aspartic acid 108 with asparagine.
Molecular consequence: missense variant. On other transcripts: 5 prime UTR variant (1), non-coding transcript variant (1).
Genome position (GRCh38, 1-based): chr16:78,115,067, G>A. VCF-style: chr16-78115067-G-A. GRCh37 (hg19) VCF-style: chr16-78148964-G-A.
Other names: c.-18G>A (NM_001291997.2); c.322G>A, p.Asp108Asn (NM_130791.5); short protein forms D108N.
Identifiers: ClinVar variation 432407 (VCV000432407.46), dbSNP rs747575799, ClinGen allele CA8183156.

ClinVar aggregate classification (germline): Uncertain significance. Review status: criteria provided, multiple submitters, no conflicts (2 of 4 stars). 4 submissions from 4 submitters: Uncertain significance (4). Last evaluated 2022-07-01.

Conditions:
Inborn genetic diseases. Identifiers: MedGen C0950123, MeSH D030342.
Developmental and epileptic encephalopathy, 1 (DEE1). Also called: Epileptic encephalopathy, early infantile, 1; X-linked infantile spasms; West's syndrome; Tonic spasms with clustering, arrest of psychomotor development and hypsarrhythmia on EEG; X-Linked Infantile Spasm Syndrome; OHTAHARA SYNDROME, X-LINKED. Identifiers: MedGen C3463992, MONDO:0010632, OMIM 308350. Disease mechanism: loss of function.
Autosomal recessive spinocerebellar ataxia 12. Also called: SPINOCEREBELLAR ATAXIA WITH MENTAL RETARDATION AND EPILEPSY. Identifiers: Orphanet 284282, MedGen C3280452, MONDO:0013687, OMIM 614322.

Allele frequency attached by ClinVar (database versions not stated): gnomAD exomes 0.00002; ExAC 0.00003; gnomAD 0.00003 and 0.00004; TOPMed 0.00009.
gnomAD v4.1: 13 of 1,614,056 alleles (0.00081%); highest among the groups gnomAD compares: African/African-American, 0.011%; no homozygotes.

Submissions (4):

CeGaT Center for Human Genetics Tuebingen
Classification: Uncertain significance. Last evaluated: 2022-07-01. Review status: criteria provided, single submitter. Criteria: CeGaT Center For Human Genetics Tuebingen Variant Classification Criteria Version 2. Collection method: clinical testing. Allele origin: germline. Affected: yes. Observed: 3 variant alleles.

Labcorp Genetics (formerly Invitae), Labcorp
Classification: Uncertain significance for Developmental and epileptic encephalopathy, 1; Autosomal recessive spinocerebellar ataxia 12. Last evaluated: 2021-08-05. Review status: criteria provided, single submitter. Criteria: Invitae Variant Classification Sherloc (09022015). Collection method: clinical testing. Allele origin: germline.
Comment: This sequence change replaces aspartic acid with asparagine at codon 108 of the WWOX protein (p.Asp108Asn). The aspartic acid residue is highly conserved and there is a small physicochemical difference between aspartic acid and asparagine. This variant is present in population databases (rs747575799, ExAC 0.04%). This variant has not been reported in the literature in individuals affected with WWOX-related conditions. ClinVar contains an entry for this variant (Variation ID: 432407). Algorithms developed to predict the effect of missense changes on protein structure and function are either unavailable or do not agree on the potential impact of this missense change (SIFT: "Not Available"; PolyPhen-2: "Benign"; Align-GVGD: "Not Available"). In summary, the available evidence is currently insufficient to determine the role of this variant in disease. Therefore, it has been classified as a Variant of Uncertain Significance.

Ambry Genetics
Classification: Uncertain significance for Inborn genetic diseases. Last evaluated: 2021-06-22. Review status: criteria provided, single submitter. Criteria: Ambry Variant Classification Scheme 2023. Collection method: clinical testing. Allele origin: germline.

GeneDx
Classification: Uncertain significance. Last evaluated: 2021-02-22. Review status: criteria provided, single submitter. Criteria: GeneDx Variant Classification Process June 2021. Collection method: clinical testing. Allele origin: germline. Affected: yes.
Comment: In silico analysis supports that this missense variant has a deleterious effect on protein structure/function; Has not been previously published as pathogenic or benign to our knowledge